The following is an entry in ClinVar:

NM_000535.7(PMS2):c.2376C>T (p.Asp792=)

Gene: PMS2 (PMS1 homolog 2, mismatch repair system component; minus strand). Cytogenetic location: 7p22.1.
Variant type: single nucleotide variant.
Coding change: c.2376C>T on transcript NM_000535.7 (MANE Select); coding-DNA position 2376, C replaced by T.
Protein change: p.Asp792=; no amino-acid change (aspartic acid 792 retained).
Molecular consequence: synonymous variant. On other transcripts: non-coding transcript variant (1).
Genome position (GRCh38, 1-based): chr7:5,977,657, G>A on the plus strand (C>T on the coding strand, the complement: PMS2 is on the minus strand). VCF-style: chr7-5977657-G-A. GRCh37 (hg19) VCF-style: chr7-6017288-G-A.
Other names: p.Asp792=; c.2409C>T, p.Asp803= (NM_001322014.2); c.2067C>T, p.Asp689= (NM_001322015.2, NM_001406877.1, NM_001406878.1 and 4 more transcripts); c.2562C>T, p.Asp854= (NM_001406866.1); c.2400C>T, p.Asp800= (NM_001406868.1); c.2268C>T, p.Asp756= (NM_001406869.1); c.2253C>T, p.Asp751= (NM_001406870.1); c.2232C>T, p.Asp744= (NM_001406871.1); and 21 more.
Identifiers: ClinVar variation 3935102 (VCV003935102.2).

ClinVar aggregate classification (germline): Likely benign. Review status: criteria provided, multiple submitters, no conflicts (2 of 4 stars). 2 submissions from 2 submitters: Likely benign (2). Last evaluated 2025-09-15.

Conditions:
Hereditary cancer-predisposing syndrome. Also called: Tumor predisposition; Hereditary neoplastic syndrome; Hereditary Cancer Syndrome; Neoplastic Syndromes, Hereditary. Identifiers: Orphanet 140162, MedGen C0027672, MeSH D009386, MONDO:0015356.

Submissions (2):

Mayo Clinic Laboratories, Mayo Clinic
Classification: Likely benign. Last evaluated: 2025-09-15. Review status: criteria provided, single submitter. Criteria: ACMG Guidelines, 2015. Collection method: clinical testing. Allele origin: germline. Observed: 1 variant allele.
Comment: BP4, BP7

Ambry Genetics
Classification: Likely benign for Hereditary cancer-predisposing syndrome. Last evaluated: 2025-03-25. Review status: criteria provided, single submitter. Criteria: Ambry Variant Classification Scheme 2023. Collection method: clinical testing. Allele origin: germline.